The following is an entry in ClinVar:

ClinVar aggregate classification (germline): Uncertain significance (1 of 4 stars; one submission).

Conditions:
Hereditary cancer-predisposing syndrome. Also called: Neoplastic Syndromes, Hereditary; Tumor predisposition; Hereditary Cancer Syndrome; Hereditary neoplastic syndrome. Identifiers: Orphanet 140162, MedGen C0027672, MeSH D009386, MONDO:0015356.

Submission:

Ambry Genetics
Classification: Uncertain significance for Hereditary cancer-predisposing syndrome. Last evaluated: 2026-03-12. Review status: criteria provided, single submitter. Criteria: Ambry Variant Classification Scheme 2023. Collection method: clinical testing. Allele origin: germline.
Comment: The p.Y1203N variant (also known as c.3607T>A), located in coding exon 24 of the ATM gene, results from a T to A substitution at nucleotide position 3607. The tyrosine at codon 1203 is replaced by asparagine, an amino acid with dissimilar properties. This amino acid position is conserved. In addition, the in silico prediction for this alteration is inconclusive. Based on the available evidence, the clinical significance of this variant remains unclear.

NM_000051.4(ATM):c.3607T>A (p.Tyr1203Asn)

Gene: ATM (ATM serine/threonine kinase; plus strand). Cytogenetic location: 11q22.3.
Variant type: single nucleotide variant.
Coding change: c.3607T>A on transcript NM_000051.4 (MANE Select); coding-DNA position 3607, T replaced by A.
Protein change: p.Tyr1203Asn; replaces tyrosine 1203 with asparagine.
Molecular consequence: missense variant.
Genome position (GRCh38, 1-based): chr11:108,282,740, T>A. VCF-style: chr11-108282740-T-A. GRCh37 (hg19) VCF-style: chr11-108153467-T-A.
Other names: c.3607T>A, p.Tyr1203Asn (NM_001351834.2); short protein forms Y1203N.
Identifiers: ClinVar variation 4827608 (VCV004827608.1).